The following is an entry in ClinVar:

ClinVar aggregate classification (germline): Uncertain significance (1 of 4 stars; one submission).

Submission:

Labcorp Genetics (formerly Invitae), Labcorp
Classification: Uncertain significance. Last evaluated: 2024-10-27. Review status: criteria provided, single submitter. Criteria: Invitae Variant Classification Sherloc (09022015). Collection method: clinical testing. Allele origin: germline.
Comment: This sequence change replaces valine, which is neutral and non-polar, with alanine, which is neutral and non-polar, at codon 427 of the SETBP1 protein (p.Val427Ala). This variant is not present in population databases (gnomAD no frequency). This variant has not been reported in the literature in individuals affected with SETBP1-related conditions. Invitae Evidence Modeling of protein sequence and biophysical properties (such as structural, functional, and spatial information, amino acid conservation, physicochemical variation, residue mobility, and thermodynamic stability) indicates that this missense variant is not expected to disrupt SETBP1 protein function with a negative predictive value of 80%. In summary, the available evidence is currently insufficient to determine the role of this variant in disease. Therefore, it has been classified as a Variant of Uncertain Significance.

NM_015559.3(SETBP1):c.1280T>C (p.Val427Ala)

Gene: SETBP1 (SET binding protein 1; plus strand). Cytogenetic location: 18q12.3.
Variant type: single nucleotide variant.
Coding change: c.1280T>C on transcript NM_015559.3 (MANE Select); coding-DNA position 1280, T replaced by C.
Protein change: p.Val427Ala; replaces valine 427 with alanine.
Molecular consequence: missense variant.
Genome position (GRCh38, 1-based): chr18:44,950,620, T>C. VCF-style: chr18-44950620-T-C. GRCh37 (hg19) VCF-style: chr18-42530585-T-C.
Other names: c.1280T>C, p.Val427Ala (NM_001379141.1, NM_001379142.1, NM_001410862.1); short protein forms V427A.
Identifiers: ClinVar variation 2797752 (VCV002797752.3), dbSNP rs2511466970, ClinGen allele CA402318185.